The following is an entry in ClinVar:

ClinVar aggregate classification (germline): Benign (1 of 4 stars; one submission).

Conditions:
Peters plus syndrome. Also called: KRAUSE-KIVLIN SYNDROME. Identifiers: Orphanet 709, MedGen C0796012, MONDO:0009856, OMIM 261540.

Allele frequency attached by ClinVar (database versions not stated): 1000 Genomes Project 0.00539; gnomAD 0.00567 and 0.00605; 1000 Genomes Project 30x 0.00593; TOPMed 0.00628.

Submission:

Illumina Laboratory Services, Illumina
Classification: Benign for Peters plus syndrome. Last evaluated: 2018-01-13. Review status: criteria provided, single submitter. Criteria: ICSL Variant Classification Criteria 13 December 2019. Collection method: clinical testing. Allele origin: germline.
Comment: This variant was observed in the ICSL laboratory as part of a predisposition screen in an ostensibly healthy population. It had not been previously curated by ICSL or reported in the Human Gene Mutation Database (HGMD: prior to June 1st, 2018), and was therefore a candidate for classification through an automated scoring system. Utilizing variant allele frequency, disease prevalence and penetrance estimates, and inheritance mode, an automated score was calculated to assess if this variant is too frequent to cause the disease. Based on the score and internal cut-off values, a variant classified as benign is not then subjected to further curation. The score for this variant resulted in a classification of benign for this disease.

NM_194318.4(B3GLCT):c.*637A>G

Gene: B3GLCT (beta 3-glucosyltransferase; plus strand). Cytogenetic location: 13q12.3.
Variant type: single nucleotide variant.
Coding change: c.*637A>G on transcript NM_194318.4 (MANE Select); 637 bases downstream of the stop codon, A replaced by G.
Molecular consequence: 3 prime UTR variant.
Genome position (GRCh38, 1-based): chr13:31,330,305, A>G. VCF-style: chr13-31330305-A-G. GRCh37 (hg19) VCF-style: chr13-31904442-A-G.
Identifiers: ClinVar variation 883879 (VCV000883879.4), dbSNP rs149604950, ClinGen allele CA247893026.